The following is an entry in ClinVar:

ClinVar aggregate classification (germline): Uncertain significance (1 of 4 stars; one submission).

Allele frequency attached by ClinVar (database versions not stated): gnomAD exomes below 0.00001 and 0.00001; ExAC 0.00002; gnomAD 0.00003; TOPMed 0.00005; ESP Exome Variant Server 0.00015; 1000 Genomes Project 30x 0.00016; 1000 Genomes Project 0.00020.
gnomAD v4.1: 7 of 1,614,064 alleles (0.00043%); highest among the groups gnomAD compares: African/African-American, 0.0093%; no homozygotes.

Submission:

Labcorp Genetics (formerly Invitae), Labcorp
Classification: Uncertain significance. Last evaluated: 2021-05-13. Review status: criteria provided, single submitter. Criteria: Invitae Variant Classification Sherloc (09022015). Collection method: clinical testing. Allele origin: germline.
Comment: This variant has not been reported in the literature in individuals with VPS13C-related conditions. This variant is present in population databases (rs141806515, ExAC 0.02%). This sequence change replaces glutamine with leucine at codon 1749 of the VPS13C protein (p.Gln1749Leu). The glutamine residue is moderately conserved and there is a moderate physicochemical difference between glutamine and leucine. Algorithms developed to predict the effect of missense changes on protein structure and function are either unavailable or do not agree on the potential impact of this missense change (SIFT: "Deleterious"; PolyPhen-2: "Benign"; Align-GVGD: "Class C0"). In summary, the available evidence is currently insufficient to determine the role of this variant in disease. Therefore, it has been classified as a Variant of Uncertain Significance.

NM_020821.3(VPS13C):c.5246A>T (p.Gln1749Leu)

Gene: VPS13C (vacuolar protein sorting 13 homolog C; minus strand). Cytogenetic location: 15q22.2.
Variant type: single nucleotide variant.
Coding change: c.5246A>T on transcript NM_020821.3 (MANE Select); coding-DNA position 5246, A replaced by T.
Protein change: p.Gln1749Leu; replaces glutamine 1749 with leucine.
Molecular consequence: missense variant.
Genome position (GRCh38, 1-based): chr15:61,941,970, T>A on the plus strand (A>T on the coding strand, the complement: VPS13C is on the minus strand). VCF-style: chr15-61941970-T-A. GRCh37 (hg19) VCF-style: chr15-62234169-T-A.
Other names: c.5246A>T, p.Gln1749Leu (NM_001018088.3); c.5117A>T, p.Gln1706Leu (NM_017684.5, NM_018080.4); short protein forms Q1749L, Q1706L.
Identifiers: ClinVar variation 1388177 (VCV001388177.8), dbSNP rs141806515, ClinGen allele CA7595874.
Genomic context (GRCh38, chr15:61,941,970, plus strand): 5'-TGAGGAATAATAATAACTGGTGCTTTCAAATTAATATCCATCAAAAGGCGGAAACTCTTT[T>A]GAGCCAAGTCTTTCATGCTGGAAGCAGCTCTTTCTGCAGCCTGGACTGTGGCTGTACTCA-3'
Protein context (NP_065872.1, residues 1739-1759): RAASSMKDLA[Gln1749Leu]KSFRLLMDIN